The following is an entry in ClinVar:

NM_007194.4(CHEK2):c.480dup (p.Glu161fs)

Gene: CHEK2 (checkpoint kinase 2; minus strand). Cytogenetic location: 22q12.1.
Variant type: Duplication.
Coding change: c.480dup on transcript NM_007194.4 (MANE Select); coding-DNA position 480, one base duplicated (A; older notation c.480dupA).
Protein change: p.Glu161fs; shifts the reading frame from glutamic acid 161.
Molecular consequence: frameshift variant. On other transcripts: 5 prime UTR variant (2), intron variant (1).
Genome position (GRCh38, 1-based): chr22:28,725,089, T duplicated on the plus strand (A on the coding strand, the reverse complement: CHEK2 is on the minus strand). VCF-style (leftmost placement, unchanged base first): chr22-28725088-C-CT. GRCh37 (hg19) VCF-style: chr22-29121076-C-CT.
Other names: c.609dup, p.Glu204fs (NM_001005735.3, NM_001438294.1); c.-298dup (NM_001257387.3); c.-184dup (NM_001437942.1); c.573dup, p.Glu192fs (NM_001438293.1, NM_001438295.1); c.480dup, p.Glu161fs (NM_145862.3); c.444+154dup (NM_001349956.3); short protein forms E161fs, E204fs, E192fs.
Identifiers: ClinVar variation 3266967 (VCV003266967.1).

ClinVar aggregate classification (germline): Pathogenic (1 of 4 stars; one submission).

Conditions:
Hereditary cancer-predisposing syndrome. Also called: Hereditary Cancer Syndrome; Tumor predisposition; Hereditary neoplastic syndrome; Neoplastic Syndromes, Hereditary. Identifiers: Orphanet 140162, MedGen C0027672, MeSH D009386, MONDO:0015356.

Submission:

Ambry Genetics
Classification: Pathogenic for Hereditary cancer-predisposing syndrome. Last evaluated: 2024-06-06. Review status: criteria provided, single submitter. Criteria: Ambry Variant Classification Scheme 2023. Collection method: clinical testing. Allele origin: germline.
Comment: The c.480dupA pathogenic mutation, located in coding exon 3 of the CHEK2 gene, results from a duplication of A at nucleotide position 480, causing a translational frameshift with a predicted alternate stop codon (p.E161Rfs*25). This variant is considered to be rare based on population cohorts in the Genome Aggregation Database (gnomAD). This alteration is expected to result in loss of function by premature protein truncation or nonsense-mediated mRNA decay. As such, this alteration is interpreted as a disease-causing mutation.